The following is an entry in ClinVar:

NM_032603.5(LOXL3):c.691A>T (p.Arg231Trp)

Genes: DOK1 (docking protein 1; plus strand), LOXL3 (lysyl oxidase like 3; minus strand). Cytogenetic location: 2p13.1.
Variant type: single nucleotide variant.
Coding change: c.691A>T on transcript NM_032603.5 (MANE Select); coding-DNA position 691, A replaced by T.
Protein change: p.Arg231Trp; replaces arginine 231 with tryptophan.
Molecular consequence: missense variant. On other transcripts: 5 prime UTR variant (1), intron variant (2).
Genome position (GRCh38, 1-based): chr2:74,549,370, T>A on the plus strand (A>T on the coding strand, the complement: LOXL3 is on the minus strand). VCF-style: chr2-74549370-T-A. GRCh37 (hg19) VCF-style: chr2-74776497-T-A.
Other names: c.-173A>T (NM_001289165.2); c.477+815A>T (NM_001289164.3); c.-358+198T>A (NM_001197260.2); short protein forms R231W.
Identifiers: ClinVar variation 1959976 (VCV001959976.3), dbSNP rs373973191, ClinGen allele CA1729123.

ClinVar aggregate classification (germline): Uncertain significance. Review status: criteria provided, multiple submitters, no conflicts (2 of 4 stars). 2 submissions from 2 submitters: Uncertain significance (2). Last evaluated 2025-04-03.

Allele frequency attached by ClinVar (database versions not stated): gnomAD 0.00007; ExAC 0.00008; ESP Exome Variant Server 0.00008; gnomAD exomes 0.00001; TOPMed 0.00008.
gnomAD v4.1: 19 of 1,597,586 alleles (0.0012%); highest among the groups gnomAD compares: African/African-American, 0.024%; no homozygotes.

Submissions (2):

Ambry Genetics
Classification: Uncertain significance. Last evaluated: 2025-04-03. Review status: criteria provided, single submitter. Criteria: Ambry Variant Classification Scheme 2023. Collection method: clinical testing. Allele origin: germline.

Labcorp Genetics (formerly Invitae), Labcorp
Classification: Uncertain significance. Last evaluated: 2022-06-10. Review status: criteria provided, single submitter. Criteria: Invitae Variant Classification Sherloc (09022015). Collection method: clinical testing. Allele origin: germline.
Comment: This sequence change replaces arginine, which is basic and polar, with tryptophan, which is neutral and slightly polar, at codon 231 of the LOXL3 protein (p.Arg231Trp). This variant is present in population databases (rs373973191, gnomAD 0.03%). This variant has not been reported in the literature in individuals affected with LOXL3-related conditions. Algorithms developed to predict the effect of missense changes on protein structure and function (SIFT, PolyPhen-2, Align-GVGD) all suggest that this variant is likely to be disruptive. Algorithms developed to predict the effect of sequence changes on RNA splicing suggest that this variant may disrupt the consensus splice site. In summary, the available evidence is currently insufficient to determine the role of this variant in disease. Therefore, it has been classified as a Variant of Uncertain Significance.